The following is an entry in ClinVar:

NM_001114086.2(CLIC5):c.161A>G (p.His54Arg)

Gene: CLIC5 (CLIC family member 5; minus strand). Cytogenetic location: 6p21.1.
Variant type: single nucleotide variant.
Coding change: c.161A>G on transcript NM_001114086.2; coding-DNA position 161, A replaced by G.
Protein change: p.His54Arg; replaces histidine 54 with arginine.
Molecular consequence: missense variant. On other transcripts: intron variant (1).
Genome position (GRCh38, 1-based): chr6:46,080,082, T>C on the plus strand (A>G on the coding strand, the complement: CLIC5 is on the minus strand). VCF-style: chr6-46080082-T-C. GRCh37 (hg19) VCF-style: chr6-46047819-T-C.
Other names: c.161A>G, p.His54Arg (NM_001370650.1); c.-55+49422A>G (NM_001370649.1); short protein forms H54R.
Identifiers: ClinVar variation 2357340 (VCV002357340.4), dbSNP rs992147495, ClinGen allele CA138549337.

ClinVar aggregate classification (germline): Uncertain significance. Review status: criteria provided, multiple submitters, no conflicts (2 of 4 stars). 2 submissions from 2 submitters: Uncertain significance (2). Last evaluated 2025-02-20.

Allele frequency attached by ClinVar (database versions not stated): TOPMed 0.00003; gnomAD 0.00001.
gnomAD v4.1: 31 of 1,551,526 alleles (0.002%); highest among the groups gnomAD compares: East Asian, 0.0024%; no homozygotes.

Submissions (2):

Labcorp Genetics (formerly Invitae), Labcorp
Classification: Uncertain significance. Last evaluated: 2025-02-20. Review status: criteria provided, single submitter. Criteria: Invitae Variant Classification Sherloc (09022015). Collection method: clinical testing. Allele origin: germline.
Comment: This sequence change replaces histidine, which is basic and polar, with arginine, which is basic and polar, at codon 54 of the CLIC5 protein (p.His54Arg). This variant is present in population databases (no rsID available, gnomAD 0.01%). This variant has not been reported in the literature in individuals affected with CLIC5-related conditions. ClinVar contains an entry for this variant (Variation ID: 2357340). An algorithm developed to predict the effect of missense changes on protein structure and function (PolyPhen-2) suggests that this variant is likely to be tolerated. Algorithms developed to predict the effect of sequence changes on RNA splicing suggest that this variant may create or strengthen a splice site. In summary, the available evidence is currently insufficient to determine the role of this variant in disease. Therefore, it has been classified as a Variant of Uncertain Significance.

Ambry Genetics
Classification: Uncertain significance. Last evaluated: 2021-11-08. Review status: criteria provided, single submitter. Criteria: Ambry Variant Classification Scheme 2023. Collection method: clinical testing. Allele origin: germline.